The following is an entry in ClinVar:

ClinVar aggregate classification (germline): Likely benign (1 of 4 stars; one submission).

Allele frequency attached by ClinVar (database versions not stated): 1000 Genomes Project 30x 0.00515; ExAC 0.00918.

Submission:

CeGaT Center for Human Genetics Tuebingen
Classification: Likely benign. Last evaluated: 2023-09-01. Review status: criteria provided, single submitter. Criteria: CeGaT Center For Human Genetics Tuebingen Variant Classification Criteria Version 2. Collection method: clinical testing. Allele origin: germline. Affected: yes. Observed: 1 variant allele.
Comment: ARHGEF5: BP4, BP7

NM_005435.4(ARHGEF5):c.2700G>A (p.Pro900=)

Gene: ARHGEF5 (Rho guanine nucleotide exchange factor 5; plus strand). Cytogenetic location: 7q35.
Variant type: single nucleotide variant.
Coding change: c.2700G>A on transcript NM_005435.4 (MANE Select); coding-DNA position 2700, G replaced by A.
Protein change: p.Pro900=; no amino-acid change (proline 900 retained).
Molecular consequence: synonymous variant.
Genome position (GRCh38, 1-based): chr7:144,365,369, G>A. VCF-style: chr7-144365369-G-A. GRCh37 (hg19) VCF-style: chr7-144062462-G-A.
Identifiers: ClinVar variation 2658129 (VCV002658129.24), dbSNP rs773431606, ClinGen allele CA4544138.